The following is an entry in ClinVar:

ClinVar aggregate classification (germline): Uncertain significance (1 of 4 stars; one submission).

Conditions:
Inborn genetic diseases. Identifiers: MedGen C0950123, MeSH D030342.

gnomAD v4.1: 1 of 1,613,740 alleles (0.000062%); highest among the groups gnomAD compares: African/African-American, 0.0013%; no homozygotes.

Submission:

Ambry Genetics
Classification: Uncertain significance for Inborn genetic diseases. Last evaluated: 2026-03-16. Review status: criteria provided, single submitter. Criteria: Ambry Variant Classification Scheme 2023. Collection method: clinical testing. Allele origin: germline.
Comment: The p.G253D variant (also known as c.758G>A), located in coding exon 7 of the ANKRD26 gene, results from a G to A substitution at nucleotide position 758. The glycine at codon 253 is replaced by aspartic acid, an amino acid with similar properties. This amino acid position is conserved. In addition, this alteration is predicted to be tolerated by in silico analysis. Based on the available evidence, the clinical significance of this variant remains unclear.

NM_014915.3(ANKRD26):c.758G>A (p.Gly253Asp)

Gene: ANKRD26 (ankyrin repeat domain 26; minus strand). Cytogenetic location: 10p12.1.
Variant type: single nucleotide variant.
Coding change: c.758G>A on transcript NM_014915.3 (MANE Select); coding-DNA position 758, G replaced by A.
Protein change: p.Gly253Asp; replaces glycine 253 with aspartic acid.
Molecular consequence: missense variant.
Genome position (GRCh38, 1-based): chr10:27,079,144, C>T on the plus strand (G>A on the coding strand, the complement: ANKRD26 is on the minus strand). VCF-style: chr10-27079144-C-T. GRCh37 (hg19) VCF-style: chr10-27368073-C-T.
Other names: c.758G>A, p.Gly253Asp (NM_001256053.2); short protein forms G253D.
Identifiers: ClinVar variation 4859018 (VCV004859018.1).